The following is an entry in ClinVar:

NM_001232.4(CASQ2):c.31del (p.Ile11fs)

Gene: CASQ2 (calsequestrin 2; minus strand). Cytogenetic location: 1p13.1.
Variant type: Deletion.
Coding change: c.31del on transcript NM_001232.4 (MANE Select); coding-DNA position 31, one base deleted (A; older notation c.31delA).
Protein change: p.Ile11fs; shifts the reading frame from isoleucine 11.
Molecular consequence: frameshift variant.
Genome position (GRCh38, 1-based): chr1:115,768,511, T deleted on the plus strand (A on the coding strand, the reverse complement: CASQ2 is on the minus strand). VCF-style (leftmost placement, unchanged base first): chr1-115768510-AT-A. GRCh37 (hg19) VCF-style: chr1-116311131-AT-A.
Other names: short protein forms I11fs.
Identifiers: ClinVar variation 2704628 (VCV002704628.3), dbSNP rs2526106694, ClinGen allele CA2697554477.
Genomic context (GRCh38, chr1:115,768,510, plus strand): 5'-TTCCCATCATATGTGGGGAAATTAAGCCCCTCTTCTGCCCTGCAAGAGGACAGAAAATAA[AT>A]CCCCACAATAAACAAGTGAGTTCTCTTCATTTGGGAAAACTTTTGTTTCTCGTTCCCAAA-3'

ClinVar aggregate classification (germline): Pathogenic (1 of 4 stars; one submission).

Conditions:
Catecholaminergic polymorphic ventricular tachycardia 1. Also called: VENTRICULAR TACHYCARDIA, CATECHOLAMINERGIC POLYMORPHIC, 1, WITH OR WITHOUT ATRIAL DYSFUNCTION AND/OR DILATED CARDIOMYOPATHY; VENTRICULAR TACHYCARDIA, STRESS-INDUCED POLYMORPHIC 1; RYR2-Related Catecholaminergic Polymorphic Ventricular Tachycardia. Identifiers: Orphanet 3286, MedGen C1631597, MONDO:0011484, OMIM 604772.

Submission:

Labcorp Genetics (formerly Invitae), Labcorp
Classification: Pathogenic for Catecholaminergic polymorphic ventricular tachycardia 1. Last evaluated: 2023-12-21. Review status: criteria provided, single submitter. Criteria: Invitae Variant Classification Sherloc (09022015). Collection method: clinical testing. Allele origin: germline.
Comment: This sequence change creates a premature translational stop signal (p.Ile11Phefs*25) in the CASQ2 gene. It is expected to result in an absent or disrupted protein product. Loss-of-function variants in CASQ2 are known to be pathogenic (PMID: 12386154). This variant is not present in population databases (gnomAD no frequency). This variant has not been reported in the literature in individuals affected with CASQ2-related conditions. For these reasons, this variant has been classified as Pathogenic.

Literature cited by the submitters: PubMed 12386154.